The following is an entry in ClinVar:

ClinVar aggregate classification (germline): Conflicting classifications of pathogenicity. Review status: criteria provided, conflicting classifications (1 of 4 stars). 5 submissions from 5 submitters: Uncertain significance (4); Likely benign (1). Last evaluated 2025-11-11.

Conditions:
BRCA2-related cancer predisposition. Identifiers: MedGen CN377758, MONDO:0700269.
Hereditary breast ovarian cancer syndrome. Also called: Hereditary breast and ovarian cancer; Breast and ovarian cancer; Hereditary breast and ovarian cancer syndrome; BRCA1- and BRCA2-Associated Hereditary Breast and Ovarian Cancer; Hereditary breast and/or ovarian cancer syndrome; Hereditary breast and ovarian cancer syndrome (HBOC). Identifiers: Orphanet 145, MedGen C0677776, MeSH D061325, MONDO:0003582. Disease mechanism: loss of function.
Hereditary cancer-predisposing syndrome. Also called: Tumor predisposition; Hereditary neoplastic syndrome; Hereditary Cancer Syndrome; Neoplastic Syndromes, Hereditary. Identifiers: Orphanet 140162, MedGen C0027672, MeSH D009386, MONDO:0015356.

Submissions (5):

Ambry Genetics
Classification: Uncertain significance for Hereditary cancer-predisposing syndrome. Last evaluated: 2025-11-11. Review status: criteria provided, single submitter. Criteria: Ambry Variant Classification Scheme 2023. Collection method: clinical testing. Allele origin: germline.
Comment: The p.Q756E variant (also known as c.2266C>G), located in coding exon 10 of the BRCA2 gene, results from a C to G substitution at nucleotide position 2266. The glutamine at codon 756 is replaced by glutamic acid, an amino acid with highly similar properties. This amino acid position is not well conserved in available vertebrate species. In addition, this alteration is predicted to be tolerated by in silico analysis. Since supporting evidence is limited at this time, the clinical significance of this alteration remains unclear.

Labcorp Genetics (formerly Invitae), Labcorp
Classification: Uncertain significance for Hereditary breast ovarian cancer syndrome. Last evaluated: 2024-10-18. Review status: criteria provided, single submitter. Criteria: Invitae Variant Classification Sherloc (09022015). Collection method: clinical testing. Allele origin: germline.
Comment: This sequence change replaces glutamine, which is neutral and polar, with glutamic acid, which is acidic and polar, at codon 756 of the BRCA2 protein (p.Gln756Glu). This variant is not present in population databases (gnomAD no frequency). This variant has not been reported in the literature in individuals affected with BRCA2-related conditions. ClinVar contains an entry for this variant (Variation ID: 577955). Invitae Evidence Modeling of protein sequence and biophysical properties (such as structural, functional, and spatial information, amino acid conservation, physicochemical variation, residue mobility, and thermodynamic stability) indicates that this missense variant is not expected to disrupt BRCA2 protein function with a negative predictive value of 95%. In summary, the available evidence is currently insufficient to determine the role of this variant in disease. Therefore, it has been classified as a Variant of Uncertain Significance.

All of Us Research Program, National Institutes of Health
Classification: Uncertain significance for BRCA2-related cancer predisposition. Last evaluated: 2024-05-14. Review status: criteria provided, single submitter. Criteria: ACMG Guidelines, 2015. Collection method: clinical testing. Allele origin: germline. Inheritance: Autosomal dominant inheritance. Observed: 1 variant allele, 1 heterozygote.
Comment: This missense variant replaces glutamine with glutamic acid at codon 756 of the BRCA2 protein. Computational prediction suggests that this variant may not impact protein structure and function. To our knowledge, functional studies have not been reported for this variant. This variant has not been reported in individuals affected with BRCA2-related disorders in the literature. This variant has not been identified in the general population by the Genome Aggregation Database (gnomAD). The available evidence is insufficient to determine the role of this variant in disease conclusively. Therefore, this variant is classified as a Variant of Uncertain Significance.

This study involves interpretation of variants in research participants for the purpose of population health screening. Participant phenotype was not available at the time of variant classification. Additional details can be found in publication PMID: 35346344, PMCID: PMC8962531

University of Washington Department of Laboratory Medicine, University of Washington
Classification: Likely benign for Hereditary cancer-predisposing syndrome. Last evaluated: 2023-03-23. Review status: criteria provided, single submitter. Criteria: Dines et al. (Genet Med. 2020). Collection method: curation. Allele origin: germline.
Comment: Missense variant in a coldspot region where missense variants are very unlikely to be pathogenic (PMID:31911673).

BRCA2 exon 11 coldspot. Reclassification based on statistical prior probability.

GeneDx
Classification: Uncertain significance. Last evaluated: 2020-04-30. Review status: criteria provided, single submitter. Criteria: GeneDx Variant Classification Process June 2021. Collection method: clinical testing. Allele origin: germline. Affected: yes.
Comment: Not observed in large population cohorts (Lek 2016); In silico analysis supports that this missense variant does not alter protein structure/function; Has not been previously published as pathogenic or benign to our knowledge; Also known as BRCA2 2494C>G

NM_000059.4(BRCA2):c.2266C>G (p.Gln756Glu)

Gene: BRCA2 (BRCA2 DNA repair associated; plus strand). Cytogenetic location: 13q13.1.
Variant type: single nucleotide variant.
Coding change: c.2266C>G on transcript NM_000059.4 (MANE Select); coding-DNA position 2266, C replaced by G.
Protein change: p.Gln756Glu; replaces glutamine 756 with glutamic acid.
Molecular consequence: missense variant.
Genome position (GRCh38, 1-based): chr13:32,336,621, C>G. VCF-style: chr13-32336621-C-G. GRCh37 (hg19) VCF-style: chr13-32910758-C-G.
Other names: short protein forms Q756E.
Identifiers: ClinVar variation 577955 (VCV000577955.16), dbSNP rs1057518637, ClinGen allele CA387771044.
Genomic context (GRCh38, chr13:32,336,621, plus strand): 5'-GCAGCATGTCACCCAGTACAACATTCAAAAGTGGAATACAGTGATACTGACTTTCAATCC[C>G]AGAAAAGTCTTTTATATGATCATGAAAATGCCAGCACTCTTATTTTAACTCCTACTTCCA-3'
Protein context (NP_000050.3, residues 746-766): VEYSDTDFQS[Gln756Glu]KSLLYDHENA